The following is an entry in ClinVar:

NM_183357.3(ADCY5):c.818T>C (p.Val273Ala)

Gene: ADCY5 (adenylate cyclase 5; minus strand). Cytogenetic location: 3q21.1.
Variant type: single nucleotide variant.
Coding change: c.818T>C on transcript NM_183357.3 (MANE Select); coding-DNA position 818, T replaced by C.
Protein change: p.Val273Ala; replaces valine 273 with alanine.
Molecular consequence: missense variant.
Genome position (GRCh38, 1-based): chr3:123,447,728, A>G on the plus strand (T>C on the coding strand, the complement: ADCY5 is on the minus strand). VCF-style: chr3-123447728-A-G. GRCh37 (hg19) VCF-style: chr3-123166575-A-G.
Other names: c.818T>C, p.Val273Ala (NM_001378259.1); short protein forms V273A.
Identifiers: ClinVar variation 706447 (VCV000706447.17), dbSNP rs141412542, ClinGen allele CA2577631.

ClinVar aggregate classification (germline): Conflicting classifications of pathogenicity. Review status: criteria provided, conflicting classifications (1 of 4 stars). 3 submissions from 3 submitters: Uncertain significance (1); Likely benign (2). Last evaluated 2026-01-01.

Allele frequency attached by ClinVar (database versions not stated): ESP Exome Variant Server 0.00024; ExAC 0.00026; gnomAD exomes 0.00035 and 0.00037; gnomAD 0.00040 and 0.00046; TOPMed 0.00079.
gnomAD v4.1: 591 of 1,600,304 alleles (0.037%); highest among the groups gnomAD compares: Middle Eastern, 0.17%; no homozygotes.

Submissions (3):

CeGaT Center for Human Genetics Tuebingen
Classification: Likely benign. Last evaluated: 2026-01-01. Review status: criteria provided, single submitter. Criteria: CeGaT Center For Human Genetics Tuebingen Variant Classification Criteria Version 2. Collection method: clinical testing. Allele origin: germline. Affected: yes. Observed: 1 variant allele.
Comment: ADCY5: BP2

Labcorp Genetics (formerly Invitae), Labcorp
Classification: Likely benign. Last evaluated: 2025-11-29. Review status: criteria provided, single submitter. Criteria: Invitae Variant Classification Sherloc (09022015). Collection method: clinical testing. Allele origin: germline.

GeneDx
Classification: Uncertain significance. Last evaluated: 2024-06-07. Review status: criteria provided, single submitter. Criteria: GeneDx Variant Classification Process June 2021. Collection method: clinical testing. Allele origin: germline. Affected: yes.
Comment: In silico analysis indicates that this missense variant does not alter protein structure/function; Has not been previously published as pathogenic or benign to our knowledge